The following is an entry in ClinVar:

NM_005051.3(QARS1):c.2142C>A (p.Asp714Glu)

Gene: QARS1 (glutaminyl-tRNA synthetase 1; minus strand). Cytogenetic location: 3p21.31.
Variant type: single nucleotide variant.
Coding change: c.2142C>A on transcript NM_005051.3 (MANE Select); coding-DNA position 2142, C replaced by A.
Protein change: p.Asp714Glu; replaces aspartic acid 714 with glutamic acid.
Molecular consequence: missense variant. On other transcripts: non-coding transcript variant (1).
Genome position (GRCh38, 1-based): chr3:49,098,201, G>T on the plus strand (C>A on the coding strand, the complement: QARS1 is on the minus strand). VCF-style: chr3-49098201-G-T. GRCh37 (hg19) VCF-style: chr3-49135634-G-T.
Other names: c.2109C>A, p.Asp703Glu (NM_001272073.2); short protein forms D703E, D714E.
Identifiers: ClinVar variation 1993326 (VCV001993326.4), dbSNP rs752830145, ClinGen allele CA2391508.

ClinVar aggregate classification (germline): Uncertain significance (1 of 4 stars; one submission).

Conditions:
Diffuse cerebral and cerebellar atrophy - intractable seizures - progressive microcephaly syndrome. Also called: Microcephaly, progressive, with seizures and cerebral and cerebellar atrophy. Identifiers: Orphanet 404437, MedGen C4014239, MONDO:0014335, OMIM 615760.

Allele frequency attached by ClinVar (database versions not stated): ExAC 0.00001; gnomAD 0.00001.

Submission:

Labcorp Genetics (formerly Invitae), Labcorp
Classification: Uncertain significance for Diffuse cerebral and cerebellar atrophy - intractable seizures - progressive microcephaly syndrome. Last evaluated: 2022-06-09. Review status: criteria provided, single submitter. Criteria: Invitae Variant Classification Sherloc (09022015). Collection method: clinical testing. Allele origin: germline.
Comment: In summary, the available evidence is currently insufficient to determine the role of this variant in disease. Therefore, it has been classified as a Variant of Uncertain Significance. Algorithms developed to predict the effect of missense changes on protein structure and function are either unavailable or do not agree on the potential impact of this missense change (SIFT: "Tolerated"; PolyPhen-2: "Probably Damaging"; Align-GVGD: "Class C0"). This variant has not been reported in the literature in individuals affected with QARS-related conditions. This variant is present in population databases (rs752830145, gnomAD 0.003%). This sequence change replaces aspartic acid, which is acidic and polar, with glutamic acid, which is acidic and polar, at codon 714 of the QARS protein (p.Asp714Glu).